The following is an entry in ClinVar:

ClinVar aggregate classification (germline): Uncertain significance (1 of 4 stars; one submission).

Conditions:
Hereditary nonpolyposis colorectal neoplasms. Identifiers: MedGen C0009405, MeSH D003123.

Submission:

Labcorp Genetics (formerly Invitae), Labcorp
Classification: Uncertain significance for Hereditary nonpolyposis colorectal neoplasms. Last evaluated: 2023-07-12. Review status: criteria provided, single submitter. Criteria: Invitae Variant Classification Sherloc (09022015). Collection method: clinical testing. Allele origin: germline.
Comment: In summary, the available evidence is currently insufficient to determine the role of this variant in disease. Therefore, it has been classified as a Variant of Uncertain Significance. Advanced modeling of protein sequence and biophysical properties (such as structural, functional, and spatial information, amino acid conservation, physicochemical variation, residue mobility, and thermodynamic stability) has been performed at Invitae for this missense variant, however the output from this modeling did not meet the statistical confidence thresholds required to predict the impact of this variant on MSH6 protein function. This variant has not been reported in the literature in individuals affected with MSH6-related conditions. This variant is not present in population databases (gnomAD no frequency). This sequence change replaces histidine, which is basic and polar, with aspartic acid, which is acidic and polar, at codon 837 of the MSH6 protein (p.His837Asp).

NM_000179.3(MSH6):c.2509C>G (p.His837Asp)

Gene: MSH6 (mutS homolog 6; plus strand). Cytogenetic location: 2p16.3.
Variant type: single nucleotide variant.
Coding change: c.2509C>G on transcript NM_000179.3 (MANE Select); coding-DNA position 2509, C replaced by G.
Protein change: p.His837Asp; replaces histidine 837 with aspartic acid.
Molecular consequence: missense variant. On other transcripts: non-coding transcript variant (5), intron variant (3).
Genome position (GRCh38, 1-based): chr2:47,800,492, C>G. VCF-style: chr2-47800492-C-G. GRCh37 (hg19) VCF-style: chr2-48027631-C-G.
Other names: c.1984C>G, p.His662Asp (NM_001406807.1, NM_001406799.1, NM_001406806.1); c.2509C>G, p.His837Asp (NM_001406808.1, NM_001406809.1, NM_001406796.1 and 2 more transcripts); c.1603C>G, p.His535Asp (NM_001406811.1, NM_001406812.1, NM_001406814.1 and 6 more transcripts); c.2515C>G, p.His839Asp (NM_001406813.1); c.2119C>G, p.His707Asp (NM_001281492.2); c.2605C>G, p.His869Asp (NM_001406795.1, NM_001406802.1); c.2212C>G, p.His738Asp (NM_001406797.1, NM_001406801.1, NM_001406805.1 and 10 more transcripts); c.2431C>G, p.His811Asp (NM_001406804.1); and 4 more; short protein forms H707D, H535D, H662D, H738D, H811D, H837D, H839D, H781D.
Identifiers: ClinVar variation 2726015 (VCV002726015.3), dbSNP rs777593472, ClinGen allele CA346754289.